The following is an entry in ClinVar:

ClinVar aggregate classification (germline): Pathogenic (1 of 4 stars; one submission).

Conditions:
Hereditary cancer-predisposing syndrome. Also called: Neoplastic Syndromes, Hereditary; Tumor predisposition; Hereditary Cancer Syndrome; Hereditary neoplastic syndrome. Identifiers: Orphanet 140162, MedGen C0027672, MeSH D009386, MONDO:0015356.

Submission:

Ambry Genetics
Classification: Pathogenic for Hereditary cancer-predisposing syndrome. Last evaluated: 2026-05-07. Review status: criteria provided, single submitter. Criteria: Ambry Variant Classification Scheme 2023. Collection method: clinical testing. Allele origin: germline.
Comment: The p.E1012* pathogenic mutation (also known as c.3034G>T), located in coding exon 4 of the MSH6 gene, results from a G to T substitution at nucleotide position 3034. This changes the amino acid from a glutamic acid to a stop codon within coding exon 4. This variant is considered to be rare based on population cohorts in the Genome Aggregation Database (gnomAD). This alteration is expected to result in loss of function by premature protein truncation or nonsense-mediated mRNA decay. As such, this alteration is interpreted as a disease-causing mutation.

NM_000179.3(MSH6):c.3034G>T (p.Glu1012Ter)

Gene: MSH6 (mutS homolog 6; plus strand). Cytogenetic location: 2p16.3.
Variant type: single nucleotide variant.
Coding change: c.3034G>T on transcript NM_000179.3 (MANE Select); coding-DNA position 3034, G replaced by T.
Protein change: p.Glu1012Ter; replaces glutamic acid 1012 with a stop codon.
Molecular consequence: nonsense. On other transcripts: non-coding transcript variant (5), intron variant (2).
Genome position (GRCh38, 1-based): chr2:47,801,017, G>T. VCF-style: chr2-47801017-G-T. GRCh37 (hg19) VCF-style: chr2-48028156-G-T.
Other names: c.2644G>T, p.Glu882Ter (NM_001281492.2); c.2128G>T, p.Glu710Ter (NM_001281493.2, NM_001281494.2, NM_001406811.1 and 6 more transcripts); c.3130G>T, p.Glu1044Ter (NM_001406795.1, NM_001406802.1); c.3034G>T, p.Glu1012Ter (NM_001406796.1, NM_001406798.1, NM_001406800.1 and 2 more transcripts); c.2737G>T, p.Glu913Ter (NM_001406797.1, NM_001406801.1, NM_001406805.1 and 10 more transcripts); c.2509G>T, p.Glu837Ter (NM_001406799.1, NM_001406806.1, NM_001406807.1); c.2956G>T, p.Glu986Ter (NM_001406804.1); c.3040G>T, p.Glu1014Ter (NM_001406813.1); and 4 more; short protein forms E1012*, E1014*, E1044*, E327*, E710*, E837*, E882*, E913*.
Identifiers: ClinVar variation 4860408 (VCV004860408.1).